The following is an entry in ClinVar:

NM_000037.4(ANK1):c.129+11381A>G

Gene: ANK1 (ankyrin 1; minus strand). Cytogenetic location: 8p11.21.
Variant type: single nucleotide variant.
Coding change: c.129+11381A>G on transcript NM_000037.4 (MANE Select); 11381 bases into the intron after coding-DNA position 129, A replaced by G.
Molecular consequence: intron variant.
Genome position (GRCh38, 1-based): chr8:41,746,655, T>C on the plus strand (A>G on the coding strand, the complement: ANK1 is on the minus strand). VCF-style: chr8-41746655-T-C. GRCh37 (hg19) VCF-style: chr8-41604173-T-C.
Other names: c.228+11381A>G (NM_001142446.2); c.129+11381A>G (NM_020477.3, NM_020475.3, NM_020476.3).
Identifiers: ClinVar variation 3341801 (VCV003341801.16).

ClinVar aggregate classification (germline): Likely benign (1 of 4 stars; one submission).

gnomAD v4.1: 14 of 152,144 alleles (0.0092%); highest among the groups gnomAD compares: Middle Eastern, 0.32%; 1 homozygote.

Submission:

CeGaT Center for Human Genetics Tuebingen
Classification: Likely benign. Last evaluated: 2024-08-01. Review status: criteria provided, single submitter. Criteria: CeGaT Center For Human Genetics Tuebingen Variant Classification Criteria Version 2. Collection method: clinical testing. Allele origin: germline. Affected: yes. Observed: 1 variant allele.
Comment: ANK1: BP4